The following is an entry in ClinVar:

ClinVar aggregate classification (germline): Uncertain significance. Review status: reviewed by expert panel (3 of 4 stars). 3 submissions from 3 submitters: Uncertain significance (1). 2 of the submissions do not count toward it. Last evaluated 2024-10-29.

Conditions:
Hereditary thrombocytopenia and hematological cancer predisposition syndrome associated with RUNX1. Also called: PLATELET DISORDER, ASPIRIN-LIKE; RUNX1 Familial Platelet Disorder with Associated Myeloid Malignancies; Familial Platelet Disorder with Propensity to Acute Myelogenous Leukemia; Familial thrombocytopenia with propensity to acute myelogenous leukemia. Identifiers: Orphanet 71290, MedGen C1832388, MeSH C563324, MONDO:0100083, OMIM 601399.
Hereditary thrombocytopenia and hematologic cancer predisposition syndrome. Identifiers: Orphanet 71290, MedGen CN281654, MONDO:0011071.
Inborn genetic diseases. Identifiers: MedGen C0950123, MeSH D030342.

Submissions (3):

ClinGen Myeloid Malignancy Variant Curation Expert Panel
Classification: Uncertain significance for Hereditary thrombocytopenia and hematologic cancer predisposition syndrome. Last evaluated: 2024-10-29. Review status: reviewed by expert panel. Criteria: ClinGen MyeloMalig ACMG Specifications v2. Collection method: curation. Allele origin: germline. Inheritance: Autosomal dominant inheritance.
Comment: NM_001754.5(RUNX1):c.992G>C (p.Ser331Thr) is a missense variant which has a REVEL score < 0.50 (0.079) and a SpliceAI score ≤ 0.20 (0.0) (BP4). This variant is completely absent from all population databases with at least 20x coverage for RUNX1 (PM2_Supporting). In summary, the clinical significance of this variant is uncertain. ACMG/AMP criteria applied, as specified by the Myeloid Malignancy Variant Curation Expert Panel for RUNX1: BP4, PM2_supporting.

Ambry Genetics
Classification: Uncertain significance for Inborn genetic diseases. Last evaluated: 2026-07-07. Review status: criteria provided, single submitter. Criteria: Ambry Variant Classification Scheme 2023. Collection method: clinical testing. Allele origin: germline. Not counted in ClinVar's aggregate classification.
Comment: The p.S331T variant (also known as c.992G>C), located in coding exon 8 of the RUNX1 gene, results from a G to C substitution at nucleotide position 992. The serine at codon 331 is replaced by threonine, an amino acid with similar properties. This amino acid position is conserved. In addition, this alteration is predicted to be tolerated by in silico analysis. Based on the available evidence, the clinical significance of this variant remains unclear.

Labcorp Genetics (formerly Invitae), Labcorp
Classification: Uncertain significance for Hereditary thrombocytopenia and hematological cancer predisposition syndrome associated with RUNX1. Last evaluated: 2019-07-05. Review status: criteria provided, single submitter. Criteria: Invitae Variant Classification Sherloc (09022015). Collection method: clinical testing. Allele origin: germline. Not counted in ClinVar's aggregate classification.
Comment: This variant is not present in population databases (ExAC no frequency). In summary, the available evidence is currently insufficient to determine the role of this variant in disease. Therefore, it has been classified as a Variant of Uncertain Significance. Algorithms developed to predict the effect of missense changes on protein structure and function (SIFT, PolyPhen-2, Align-GVGD) all suggest that this variant is likely to be tolerated, but these predictions have not been confirmed by published functional studies and their clinical significance is uncertain. This variant has not been reported in the literature in individuals with RUNX1-related conditions. This sequence change replaces serine with threonine at codon 331 of the RUNX1 protein (p.Ser331Thr). The serine residue is weakly conserved and there is a small physicochemical difference between serine and threonine.

NM_001754.5(RUNX1):c.992G>C (p.Ser331Thr)

Gene: RUNX1 (RUNX family transcription factor 1; minus strand). Cytogenetic location: 21q22.12.
Variant type: single nucleotide variant.
Coding change: c.992G>C on transcript NM_001754.5 (MANE Select); coding-DNA position 992, G replaced by C.
Protein change: p.Ser331Thr; replaces serine 331 with threonine.
Molecular consequence: missense variant.
Genome position (GRCh38, 1-based): chr21:34,792,586, C>G on the plus strand (G>C on the coding strand, the complement: RUNX1 is on the minus strand). VCF-style: chr21-34792586-C-G. GRCh37 (hg19) VCF-style: chr21-36164883-C-G.
Other names: NM_001754.5(RUNX1):c.992G>C; p.Ser331Thr; c.911G>C, p.Ser304Thr (NM_001001890.3); short protein forms S304T, S331T.
Identifiers: ClinVar variation 960548 (VCV000960548.11), dbSNP rs2056461235, ClinGen allele CA410148738.